The following is an entry in ClinVar:

ClinVar aggregate classification (germline): Uncertain significance (1 of 4 stars; one submission).

Conditions:
Ataxia-telangiectasia syndrome (AT). Also called: Ataxia-telangiectasia, complementation group E; Ataxia-telangiectasia; ATAXIA-TELANGIECTASIA, COMPLEMENTATION GROUP A; Ataxia-telangiectasia, complementation group D; Ataxia telangiectasia (A-T); LOUIS-BAR SYNDROME. Identifiers: Orphanet 100, MedGen C0004135, MONDO:0008840, OMIM 208900.

Submission:

Labcorp Genetics (formerly Invitae), Labcorp
Classification: Uncertain significance for Ataxia-telangiectasia syndrome. Last evaluated: 2022-05-30. Review status: criteria provided, single submitter. Criteria: Invitae Variant Classification Sherloc (09022015). Collection method: clinical testing. Allele origin: germline.
Comment: This variant has not been reported in the literature in individuals affected with ATM-related conditions. This sequence change replaces serine, which is neutral and polar, with phenylalanine, which is neutral and non-polar, at codon 1233 of the ATM protein (p.Ser1233Phe). This variant is not present in population databases (gnomAD no frequency). Advanced modeling of protein sequence and biophysical properties (such as structural, functional, and spatial information, amino acid conservation, physicochemical variation, residue mobility, and thermodynamic stability) performed at Invitae indicates that this missense variant is not expected to disrupt ATM protein function. In summary, the available evidence is currently insufficient to determine the role of this variant in disease. Therefore, it has been classified as a Variant of Uncertain Significance.

NM_000051.4(ATM):c.3698C>T (p.Ser1233Phe)

Gene: ATM (ATM serine/threonine kinase; plus strand). Cytogenetic location: 11q22.3.
Variant type: single nucleotide variant.
Coding change: c.3698C>T on transcript NM_000051.4 (MANE Select); coding-DNA position 3698, C replaced by T.
Protein change: p.Ser1233Phe; replaces serine 1233 with phenylalanine.
Molecular consequence: missense variant.
Genome position (GRCh38, 1-based): chr11:108,282,831, C>T. VCF-style: chr11-108282831-C-T. GRCh37 (hg19) VCF-style: chr11-108153558-C-T.
Other names: c.3698C>T, p.Ser1233Phe (NM_001351834.2); short protein forms S1233F.
Identifiers: ClinVar variation 1995011 (VCV001995011.4), dbSNP rs2546880184, ClinGen allele CA382523561.